The following is an entry in ClinVar:

ClinVar aggregate classification (germline): Uncertain significance (1 of 4 stars; one submission).

Conditions:
Hereditary cancer-predisposing syndrome. Also called: Neoplastic Syndromes, Hereditary; Hereditary Cancer Syndrome; Hereditary neoplastic syndrome; Tumor predisposition. Identifiers: Orphanet 140162, MedGen C0027672, MeSH D009386, MONDO:0015356.

Submission:

Ambry Genetics
Classification: Uncertain significance for Hereditary cancer-predisposing syndrome. Last evaluated: 2025-09-10. Review status: criteria provided, single submitter. Criteria: Ambry Variant Classification Scheme 2023. Collection method: clinical testing. Allele origin: germline.
Comment: The p.D501N variant (also known as c.1501G>A), located in coding exon 10 of the FLCN gene, results from a G to A substitution at nucleotide position 1501. The aspartic acid at codon 501 is replaced by asparagine, an amino acid with highly similar properties. This amino acid position is well conserved in available vertebrate species. In addition, this alteration is predicted to be tolerated by in silico analysis. Based on the available evidence, the clinical significance of this variant remains unclear.

NM_144997.7(FLCN):c.1501G>A (p.Asp501Asn)

Gene: FLCN (folliculin; minus strand). Cytogenetic location: 17p11.2.
Variant type: single nucleotide variant.
Coding change: c.1501G>A on transcript NM_144997.7 (MANE Select); coding-DNA position 1501, G replaced by A.
Protein change: p.Asp501Asn; replaces aspartic acid 501 with asparagine.
Molecular consequence: missense variant.
Genome position (GRCh38, 1-based): chr17:17,215,022, C>T on the plus strand (G>A on the coding strand, the complement: FLCN is on the minus strand). VCF-style: chr17-17215022-C-T. GRCh37 (hg19) VCF-style: chr17-17118336-C-T.
Other names: c.1555G>A, p.Asp519Asn (NM_001353229.2); c.1501G>A, p.Asp501Asn (NM_001353230.2, NM_001353231.2); short protein forms D501N, D519N.
Identifiers: ClinVar variation 2562233 (VCV002562233.3), dbSNP rs2046868027, ClinGen allele CA398530816.